The following is an entry in ClinVar:

ClinVar aggregate classification (germline): Uncertain significance. Review status: criteria provided, single submitter (1 of 4 stars). 2 submissions from 2 submitters: Uncertain significance (1). 1 of the submissions does not count toward it. Last evaluated 2022-08-23.

Conditions:
MHC class II deficiency. Also called: Bare lymphocyte syndrome 2; BLS, TYPE II. Identifiers: Orphanet 572, MedGen C5447452, MONDO:0008855.

Allele frequency attached by ClinVar (database versions not stated): TOPMed 0.00012; gnomAD exomes 0.00015 and 0.00016; gnomAD 0.00016 and 0.00017; ExAC 0.00022.
gnomAD v4.1: 248 of 1,614,056 alleles (0.015%); highest among the groups gnomAD compares: Non-Finnish European, 0.02%; no homozygotes.

Submissions (2):

Labcorp Genetics (formerly Invitae), Labcorp
Classification: Uncertain significance for MHC class II deficiency. Last evaluated: 2022-08-23. Review status: criteria provided, single submitter. Criteria: Invitae Variant Classification Sherloc (09022015). Collection method: clinical testing. Allele origin: germline.
Comment: This sequence change replaces threonine, which is neutral and polar, with alanine, which is neutral and non-polar, at codon 892 of the CIITA protein (p.Thr892Ala). This variant is present in population databases (rs139200062, gnomAD 0.03%). This variant has not been reported in the literature in individuals affected with CIITA-related conditions. ClinVar contains an entry for this variant (Variation ID: 647333). Algorithms developed to predict the effect of missense changes on protein structure and function output the following: SIFT: "Tolerated"; PolyPhen-2: "Benign"; Align-GVGD: "Class C0". The alanine amino acid residue is found in multiple mammalian species, which suggests that this missense change does not adversely affect protein function. In summary, the available evidence is currently insufficient to determine the role of this variant in disease. Therefore, it has been classified as a Variant of Uncertain Significance.

Natera, Inc.
Classification: Uncertain significance for Bare lymphocyte syndrome type II. Last evaluated: 2020-03-15. Review status: no assertion criteria provided. Collection method: clinical testing. Allele origin: germline. Not counted in ClinVar's aggregate classification.

NM_000246.4(CIITA):c.2674A>G (p.Thr892Ala)

Gene: CIITA (class II major histocompatibility complex transactivator; plus strand). Cytogenetic location: 16p13.13.
Variant type: single nucleotide variant.
Coding change: c.2674A>G on transcript NM_000246.4 (MANE Select); coding-DNA position 2674, A replaced by G.
Protein change: p.Thr892Ala; replaces threonine 892 with alanine.
Molecular consequence: missense variant.
Genome position (GRCh38, 1-based): chr16:10,909,045, A>G. VCF-style: chr16-10909045-A-G. GRCh37 (hg19) VCF-style: chr16-11002902-A-G.
Other names: c.2605A>G, p.Thr869Ala (NM_001379334.1); c.2677A>G, p.Thr893Ala (NM_001286402.1, NM_001379332.1); c.922A>G, p.Thr308Ala (NM_001286403.2); c.2530A>G, p.Thr844Ala (NM_001379330.1); c.2527A>G, p.Thr843Ala (NM_001379331.1); c.2674A>G, p.Thr892Ala (NM_001379333.1); short protein forms T308A, T893A, T892A, T843A, T844A, T869A.
Identifiers: ClinVar variation 647333 (VCV000647333.8), dbSNP rs139200062, ClinGen allele CA7900464.